The following is an entry in ClinVar:

NM_015650.4(TRAF3IP1):c.358T>G (p.Ser120Ala)

Gene: TRAF3IP1 (TRAF3 interacting protein 1; plus strand). Cytogenetic location: 2q37.3.
Variant type: single nucleotide variant.
Coding change: c.358T>G on transcript NM_015650.4 (MANE Select); coding-DNA position 358, T replaced by G.
Protein change: p.Ser120Ala; replaces serine 120 with alanine.
Molecular consequence: missense variant.
Genome position (GRCh38, 1-based): chr2:238,328,689, T>G. VCF-style: chr2-238328689-T-G. GRCh37 (hg19) VCF-style: chr2-239237330-T-G.
Other names: c.358T>G, p.Ser120Ala (NM_001139490.1); short protein forms S120A.
Identifiers: ClinVar variation 1058756 (VCV001058756.9), dbSNP rs2106363198, ClinGen allele CA351243452.

ClinVar aggregate classification (germline): Uncertain significance (1 of 4 stars; one submission).

Submission:

Labcorp Genetics (formerly Invitae), Labcorp
Classification: Uncertain significance. Last evaluated: 2024-05-06. Review status: criteria provided, single submitter. Criteria: Invitae Variant Classification Sherloc (09022015). Collection method: clinical testing. Allele origin: germline.
Comment: This sequence change replaces serine, which is neutral and polar, with alanine, which is neutral and non-polar, at codon 120 of the TRAF3IP1 protein (p.Ser120Ala). This variant is not present in population databases (gnomAD no frequency). This variant has not been reported in the literature in individuals affected with TRAF3IP1-related conditions. ClinVar contains an entry for this variant (Variation ID: 1058756). Advanced modeling of protein sequence and biophysical properties (such as structural, functional, and spatial information, amino acid conservation, physicochemical variation, residue mobility, and thermodynamic stability) performed at Invitae indicates that this missense variant is expected to disrupt TRAF3IP1 protein function with a positive predictive value of 80%. In summary, the available evidence is currently insufficient to determine the role of this variant in disease. Therefore, it has been classified as a Variant of Uncertain Significance.